The following is an entry in ClinVar:

ClinVar aggregate classification (germline): Benign (1 of 4 stars; one submission).

Conditions:
CTNND1-related disorder. Also called: CTNND1-related condition.

gnomAD v4.1: 515 of 1,612,430 alleles (0.032%); highest among the groups gnomAD compares: South Asian, 0.5%; 7 homozygotes.

Submission:

PreventionGenetics, part of Exact Sciences
Classification: Benign for CTNND1-related condition. Last evaluated: 2024-12-18. Review status: criteria provided, single submitter. Criteria: ACMG Guidelines, 2015. Collection method: clinical testing. Allele origin: germline.
Comment: This variant is classified as benign based on ACMG/AMP sequence variant interpretation guidelines (Richards et al. 2015 PMID: 25741868, with internal and published modifications).

NM_001085458.2(CTNND1):c.2623C>T (p.Arg875Trp)

Genes: CTNND1 (catenin delta 1; plus strand), TMX2-CTNND1 (TMX2-CTNND1 readthrough (NMD candidate); plus strand). Cytogenetic location: 11q12.1.
Variant type: single nucleotide variant.
Coding change: c.2623C>T on transcript NM_001085458.2 (MANE Select); coding-DNA position 2623, C replaced by T.
Protein change: p.Arg875Trp; replaces arginine 875 with tryptophan.
Molecular consequence: missense variant. On other transcripts: non-coding transcript variant (1).
Genome position (GRCh38, 1-based): chr11:57,811,471, C>T. VCF-style: chr11-57811471-C-T. GRCh37 (hg19) VCF-style: chr11-57578943-C-T.
Other names: c.2605C>T, p.Arg869Trp (NM_001085459.2, NM_001085460.2, NM_001085461.2 and 2 more transcripts); c.2320C>T, p.Arg774Trp (NM_001085463.2, NM_001085466.2); c.2302C>T, p.Arg768Trp (NM_001085464.2, NM_001085465.2, NM_001085467.2 and 3 more transcripts); c.2461C>T, p.Arg821Trp (NM_001206883.2, NM_001206884.2); c.2623C>T, p.Arg875Trp (NM_001206885.2); c.2443C>T, p.Arg815Trp (NM_001206886.2, NM_001206887.2, NM_001206888.2 and 2 more transcripts); short protein forms R875W, R815W, R774W, R821W, R869W, R768W.
Identifiers: ClinVar variation 4981337 (VCV004981337.1).